The following is an entry in ClinVar:

ClinVar aggregate classification (germline): Uncertain significance. Review status: criteria provided, multiple submitters, no conflicts (2 of 4 stars). 4 submissions from 4 submitters: Uncertain significance (4). Last evaluated 2025-04-21.

Conditions:
Cardiovascular phenotype. Identifiers: MedGen CN230736.
Hypertrophic cardiomyopathy 14. Identifiers: MedGen C2750467, MONDO:0013197, OMIM 613251.
Atrial septal defect 3 (ASD3). Identifiers: Orphanet 1478, MedGen C3279790, MONDO:0013567, OMIM 614089.
Dilated cardiomyopathy 1EE (CMD1EE). Identifiers: Orphanet 154, MedGen C2750466, MONDO:0013198, OMIM 613252.
Sick sinus syndrome 3, susceptibility to (SSS3). Identifiers: Orphanet 166282, MedGen C3279791, MONDO:0013568, OMIM 614090.

Allele frequency attached by ClinVar (database versions not stated): gnomAD exomes below 0.00001 and 0.00001; TOPMed below 0.00001; ExAC 0.00001.
gnomAD v4.1: 7 of 1,614,174 alleles (0.00043%); highest among the groups gnomAD compares: Non-Finnish European, 0.00059%; no homozygotes.

Submissions (4):

Ambry Genetics
Classification: Uncertain significance for Cardiovascular phenotype. Last evaluated: 2025-04-21. Review status: criteria provided, single submitter. Criteria: Ambry Variant Classification Scheme 2023. Collection method: clinical testing. Allele origin: germline.

GeneDx
Classification: Uncertain significance. Last evaluated: 2024-11-11. Review status: criteria provided, single submitter. Criteria: GeneDx Variant Classification Process June 2021. Collection method: clinical testing. Allele origin: germline. Affected: yes.
Comment: Not observed at significant frequency in large population cohorts (gnomAD); In silico analysis supports that this missense variant has a deleterious effect on protein structure/function; Has not been previously published as pathogenic or benign to our knowledge

Labcorp Genetics (formerly Invitae), Labcorp
Classification: Uncertain significance for Hypertrophic cardiomyopathy 14. Last evaluated: 2022-12-17. Review status: criteria provided, single submitter. Criteria: Invitae Variant Classification Sherloc (09022015). Collection method: clinical testing. Allele origin: germline.
Comment: In summary, the available evidence is currently insufficient to determine the role of this variant in disease. Therefore, it has been classified as a Variant of Uncertain Significance. Advanced modeling of protein sequence and biophysical properties (such as structural, functional, and spatial information, amino acid conservation, physicochemical variation, residue mobility, and thermodynamic stability) performed at Invitae indicates that this missense variant is expected to disrupt MYH6 protein function. ClinVar contains an entry for this variant (Variation ID: 568290). This variant has not been reported in the literature in individuals affected with MYH6-related conditions. This variant is present in population databases (rs764909774, gnomAD 0.006%). This sequence change replaces arginine, which is basic and polar, with tryptophan, which is neutral and slightly polar, at codon 1055 of the MYH6 protein (p.Arg1055Trp).

Juno Genomics, Hangzhou Juno Genomics, Inc
Classification: Uncertain significance for Sick sinus syndrome 3, susceptibility to; Atrial septal defect 3; Dilated cardiomyopathy 1EE; Hypertrophic cardiomyopathy 14. Review status: criteria provided, single submitter. Criteria: ACMG Guidelines, 2015. Collection method: clinical testing. Allele origin: germline.
Comment: Absent from controls (or at extremely low frequency if recessive) in Genome Aggregation Database.;Missense variant in a gene that has a low rate of benign missense variation.;Multiple lines of computational evidence support a deleterious effect on the gene or gene product.

NM_002471.4(MYH6):c.3163C>T (p.Arg1055Trp)

Gene: MYH6 (myosin heavy chain 6; minus strand). Cytogenetic location: 14q11.2.
Variant type: single nucleotide variant.
Coding change: c.3163C>T on transcript NM_002471.4 (MANE Select); coding-DNA position 3163, C replaced by T.
Protein change: p.Arg1055Trp; replaces arginine 1055 with tryptophan.
Molecular consequence: missense variant.
Genome position (GRCh38, 1-based): chr14:23,393,000, G>A on the plus strand (C>T on the coding strand, the complement: MYH6 is on the minus strand). VCF-style: chr14-23393000-G-A. GRCh37 (hg19) VCF-style: chr14-23862209-G-A.
Other names: short protein forms R1055W.
Identifiers: ClinVar variation 568290 (VCV000568290.16), dbSNP rs764909774, ClinGen allele CA7115288.